The following is an entry in ClinVar:

ClinVar aggregate classification (germline): Uncertain significance (1 of 4 stars; one submission).

Conditions:
Ataxia-telangiectasia syndrome (AT). Also called: Cerebello-oculocutaneous telangiectasia; Immunodeficiency with ataxia telangiectasia; Ataxia-telangiectasia, complementation group E; Ataxia telangiectasia (A-T); LOUIS-BAR SYNDROME; Ataxia-telangiectasia, complementation group D. Identifiers: Orphanet 100, MedGen C0004135, MONDO:0008840, OMIM 208900.

Submission:

Labcorp Genetics (formerly Invitae), Labcorp
Classification: Uncertain significance for Ataxia-telangiectasia syndrome. Last evaluated: 2025-04-17. Review status: criteria provided, single submitter. Criteria: Invitae Variant Classification Sherloc (09022015). Collection method: clinical testing. Allele origin: germline.
Comment: This sequence change replaces cysteine, which is neutral and slightly polar, with arginine, which is basic and polar, at codon 693 of the ATM protein (p.Cys693Arg). This variant is not present in population databases (gnomAD no frequency). This variant has not been reported in the literature in individuals affected with ATM-related conditions. Invitae Evidence Modeling of protein sequence and biophysical properties (such as structural, functional, and spatial information, amino acid conservation, physicochemical variation, residue mobility, and thermodynamic stability) indicates that this missense variant is not expected to disrupt ATM protein function with a negative predictive value of 95%. In summary, the available evidence is currently insufficient to determine the role of this variant in disease. Therefore, it has been classified as a Variant of Uncertain Significance.

NM_000051.4(ATM):c.2077T>C (p.Cys693Arg)

Gene: ATM (ATM serine/threonine kinase; plus strand). Cytogenetic location: 11q22.3.
Variant type: single nucleotide variant.
Coding change: c.2077T>C on transcript NM_000051.4 (MANE Select); coding-DNA position 2077, T replaced by C.
Protein change: p.Cys693Arg; replaces cysteine 693 with arginine.
Molecular consequence: missense variant.
Genome position (GRCh38, 1-based): chr11:108,253,992, T>C. VCF-style: chr11-108253992-T-C. GRCh37 (hg19) VCF-style: chr11-108124719-T-C.
Other names: c.2077T>C, p.Cys693Arg (NM_001351834.2); short protein forms C693R.
Identifiers: ClinVar variation 4696790 (VCV004696790.1).
Genomic context (GRCh38, chr11:108,253,992, plus strand): 5'-AAGCACCAGTCCAGTATTGGCTTCTCTGTCCACCAGAATCTCAAGGAATCACTGGATCGC[T>C]GTCTTCTGGGATTATCAGAACAGCTTCTGAATAATTACTCATCTGAGGTGAGATTTTTTA-3'
Protein context (NP_000042.3, residues 683-703): HQNLKESLDR[Cys693Arg]LLGLSEQLLN